The following is an entry in ClinVar:

NM_001458.5(FLNC):c.673G>T (p.Ala225Ser)

Gene: FLNC (filamin C; plus strand). Cytogenetic location: 7q32.1.
Variant type: single nucleotide variant.
Coding change: c.673G>T on transcript NM_001458.5 (MANE Select); coding-DNA position 673, G replaced by T.
Protein change: p.Ala225Ser; replaces alanine 225 with serine.
Molecular consequence: missense variant.
Genome position (GRCh38, 1-based): chr7:128,837,231, G>T. VCF-style: chr7-128837231-G-T. GRCh37 (hg19) VCF-style: chr7-128477285-G-T.
Other names: c.673G>T, p.Ala225Ser (NM_001127487.2); short protein forms A225S.
Identifiers: ClinVar variation 971338 (VCV000971338.11), dbSNP rs1808127026, ClinGen allele CA369221442.

ClinVar aggregate classification (germline): Uncertain significance. Review status: criteria provided, multiple submitters, no conflicts (2 of 4 stars). 2 submissions from 2 submitters: Uncertain significance (2). Last evaluated 2023-12-23.

Conditions:
Myofibrillar myopathy 5. Also called: Filaminopathy (type); FILAMINOPATHY, AUTOSOMAL DOMINANT. Identifiers: Orphanet 171445, MedGen C1836050, MONDO:0012289, OMIM 609524.
Distal myopathy with posterior leg and anterior hand involvement. Also called: WILLIAMS DISTAL MYOPATHY. Identifiers: Orphanet 63273, MedGen C3279722, MONDO:0013550, OMIM 614065.
Hypertrophic cardiomyopathy 26. Also called: Cardiomyopathy, familial hypertrophic, 26. Identifiers: Orphanet 75249, MedGen C4310749, MONDO:0014883, OMIM 617047.

Submissions (2):

GeneDx
Classification: Uncertain significance. Last evaluated: 2023-12-23. Review status: criteria provided, single submitter. Criteria: GeneDx Variant Classification Process June 2021. Collection method: clinical testing. Allele origin: germline. Affected: yes.
Comment: Not observed at significant frequency in large population cohorts (gnomAD); In silico analysis supports that this missense variant has a deleterious effect on protein structure/function; Has not been previously published as pathogenic or benign to our knowledge

Labcorp Genetics (formerly Invitae), Labcorp
Classification: Uncertain significance for Distal myopathy with posterior leg and anterior hand involvement; Myofibrillar myopathy 5; Hypertrophic cardiomyopathy 26. Last evaluated: 2022-03-13. Review status: criteria provided, single submitter. Criteria: Invitae Variant Classification Sherloc (09022015). Collection method: clinical testing. Allele origin: germline.
Comment: In summary, the available evidence is currently insufficient to determine the role of this variant in disease. Therefore, it has been classified as a Variant of Uncertain Significance. Algorithms developed to predict the effect of missense changes on protein structure and function are either unavailable or do not agree on the potential impact of this missense change (SIFT: "Deleterious"; PolyPhen-2: "Probably Damaging"; Align-GVGD: "Class C0"). ClinVar contains an entry for this variant (Variation ID: 971338). This variant has not been reported in the literature in individuals affected with FLNC-related conditions. This variant is not present in population databases (gnomAD no frequency). This sequence change replaces alanine, which is neutral and non-polar, with serine, which is neutral and polar, at codon 225 of the FLNC protein (p.Ala225Ser).